The following is an entry in ClinVar:

ClinVar aggregate classification (germline): Pathogenic (1 of 4 stars; one submission).

Conditions:
Multiple congenital exostosis (EXT). Also called: Hereditary multiple exostoses; Hereditary multiple exostosis; MULTIPLE CARTILAGINOUS EXOSTOSES; Multiple exostoses; Multiple osteochondromas; Hereditary multiple osteochondromas. Identifiers: Orphanet 321, MedGen C0015306, MONDO:0005508, HP:0002762.

Submission:

Labcorp Genetics (formerly Invitae), Labcorp
Classification: Pathogenic for Multiple congenital exostosis. Last evaluated: 2025-01-27. Review status: criteria provided, single submitter. Criteria: Invitae Variant Classification Sherloc (09022015). Collection method: clinical testing. Allele origin: germline.
Comment: This sequence change affects an acceptor splice site in intron 3 of the EXT1 gene. It is expected to disrupt RNA splicing. Variants that disrupt the donor or acceptor splice site typically lead to a loss of protein function (PMID: 16199547), and loss-of-function variants in EXT1 are known to be pathogenic (PMID: 10679937, 11391482, 19810120). This variant is not present in population databases (gnomAD no frequency). Disruption of this splice site has been observed in individual(s) with mutliple exostoses (PMID: 29126381). ClinVar contains an entry for this variant (Variation ID: 2736539). Algorithms developed to predict the effect of sequence changes on RNA splicing suggest that this variant may disrupt the consensus splice site. For these reasons, this variant has been classified as Pathogenic.

Literature cited by the submitters: PubMed 16199547; PubMed 10679937; PubMed 11391482; PubMed 19810120; PubMed 29126381.

NM_000127.3(EXT1):c.1165-2A>G

Gene: EXT1 (exostosin glycosyltransferase 1; minus strand). Cytogenetic location: 8q24.11.
Variant type: single nucleotide variant.
Coding change: c.1165-2A>G on transcript NM_000127.3 (MANE Select); the canonical splice acceptor site of the intron before coding-DNA position 1165, A replaced by G.
Molecular consequence: splice acceptor variant.
Genome position (GRCh38, 1-based): chr8:117,830,351, T>C on the plus strand (A>G on the coding strand, the complement: EXT1 is on the minus strand). VCF-style: chr8-117830351-T-C. GRCh37 (hg19) VCF-style: chr8-118842590-T-C.
Identifiers: ClinVar variation 2736539 (VCV002736539.3), dbSNP rs2488126304, ClinGen allele CA371890742.
Genomic context (GRCh38, chr8:117,830,351, plus strand): 5'-GTCTGCTGTCTAAGTGCTAGGATTTTATCCTGATGAATAGACCTGATTGTAGAAGGAATC[T>C]GTAACACAAGGTGAACACATAGGAATTATAACTGTAAAACAAAGAGATGCACTTGATCAA-3'